The following is an entry in ClinVar:

ClinVar aggregate classification (germline): Likely benign. Review status: criteria provided, multiple submitters, no conflicts (2 of 4 stars). 2 submissions from 2 submitters: Likely benign (2). Last evaluated 2026-06-01.

gnomAD v4.1: 11 of 1,614,114 alleles (0.00068%); highest among the groups gnomAD compares: South Asian, 0.0011%; no homozygotes.

Submissions (2):

CeGaT Center for Human Genetics Tuebingen
Classification: Likely benign. Last evaluated: 2026-06-01. Review status: criteria provided, single submitter. Criteria: CeGaT Center For Human Genetics Tuebingen Variant Classification Criteria Version 2. Collection method: clinical testing. Allele origin: germline. Affected: yes. Observed: 1 variant allele.
Comment: KMT2C: BP4, BP7

Women's Health and Genetics/Laboratory Corporation of America, LabCorp
Classification: Likely benign. Last evaluated: 2025-01-16. Review status: criteria provided, single submitter. Criteria: LabCorp Variant Classification Summary - May 2015. Collection method: clinical testing. Allele origin: germline.

NM_170606.3(KMT2C):c.10716A>G (p.Gln3572=)

Gene: KMT2C (lysine methyltransferase 2C; minus strand). Cytogenetic location: 7q36.1.
Variant type: single nucleotide variant.
Coding change: c.10716A>G on transcript NM_170606.3 (MANE Select); coding-DNA position 10716, A replaced by G.
Protein change: p.Gln3572=; no amino-acid change (glutamine 3572 retained).
Molecular consequence: synonymous variant.
Genome position (GRCh38, 1-based): chr7:152,162,861, T>C on the plus strand (A>G on the coding strand, the complement: KMT2C is on the minus strand). VCF-style: chr7-152162861-T-C. GRCh37 (hg19) VCF-style: chr7-151859946-T-C.
Identifiers: ClinVar variation 3769071 (VCV003769071.4).
Genomic context (GRCh38, chr7:152,162,861, plus strand): 5'-CAACTGAATGAGCGATTGGGTTGATCCCGGATAACTGTGTCCATGGGTTATAGTAGAATC[T>C]TGGCCACATGGGAGACTGCTATTAGCTACTGGAGGTGCTGCTGGTAAAGCAGGTGTAAAA-3'
Protein context (NP_733751.2, residues 3562-3582): PVANSSLPCG[Gln3572=]DSTITHGHSY